The following is an entry in ClinVar:

ClinVar aggregate classification (germline): Uncertain significance. Review status: criteria provided, multiple submitters, no conflicts (2 of 4 stars). 2 submissions from 2 submitters: Uncertain significance (2). Last evaluated 2023-03-29.

Conditions:
Tuberous sclerosis 2 (TSC2). Identifiers: Orphanet 805, MedGen C1860707, MONDO:0013199, OMIM 613254.
Hereditary cancer-predisposing syndrome. Also called: Hereditary neoplastic syndrome; Tumor predisposition; Neoplastic Syndromes, Hereditary; Hereditary Cancer Syndrome. Identifiers: Orphanet 140162, MedGen C0027672, MeSH D009386, MONDO:0015356.

Allele frequency attached by ClinVar (database versions not stated): gnomAD exomes below 0.00001.
gnomAD v4.1: 1 of 1,613,454 alleles (0.000062%); highest among the groups gnomAD compares: Admixed American, 0.0017%; no homozygotes.

Submissions (2):

Ambry Genetics
Classification: Uncertain significance for Hereditary cancer-predisposing syndrome. Last evaluated: 2023-03-29. Review status: criteria provided, single submitter. Criteria: Ambry Variant Classification Scheme 2023. Collection method: clinical testing. Allele origin: germline.
Comment: The p.E588D variant (also known as c.1764G>C), located in coding exon 16 of the TSC2 gene, results from a G to C substitution at nucleotide position 1764. The glutamic acid at codon 588 is replaced by aspartic acid, an amino acid with highly similar properties. This amino acid position is highly conserved in available vertebrate species. In addition, the in silico prediction for this alteration is inconclusive. Since supporting evidence is limited at this time, the clinical significance of this alteration remains unclear.

Labcorp Genetics (formerly Invitae), Labcorp
Classification: Uncertain significance for Tuberous sclerosis 2. Last evaluated: 2020-04-16. Review status: criteria provided, single submitter. Criteria: Invitae Variant Classification Sherloc (09022015). Collection method: clinical testing. Allele origin: germline.
Comment: In summary, the available evidence is currently insufficient to determine the role of this variant in disease. Therefore, it has been classified as a Variant of Uncertain Significance. Algorithms developed to predict the effect of missense changes on protein structure and function (SIFT, PolyPhen-2, Align-GVGD) all suggest that this variant is likely to be tolerated, but these predictions have not been confirmed by published functional studies and their clinical significance is uncertain. This variant has not been reported in the literature in individuals with TSC2-related conditions. This variant is not present in population databases (ExAC no frequency). This sequence change replaces glutamic acid with aspartic acid at codon 588 of the TSC2 protein (p.Glu588Asp). The glutamic acid residue is highly conserved and there is a small physicochemical difference between glutamic acid and aspartic acid.

NM_000548.5(TSC2):c.1764G>C (p.Glu588Asp)

Gene: TSC2 (TSC complex subunit 2; plus strand). Cytogenetic location: 16p13.3.
Variant type: single nucleotide variant.
Coding change: c.1764G>C on transcript NM_000548.5 (MANE Select); coding-DNA position 1764, G replaced by C.
Protein change: p.Glu588Asp; replaces glutamic acid 588 with aspartic acid.
Molecular consequence: missense variant.
Genome position (GRCh38, 1-based): chr16:2,070,503, G>C. VCF-style: chr16-2070503-G-C. GRCh37 (hg19) VCF-style: chr16-2120504-G-C.
Other names: c.1764G>C, p.Glu588Asp (NM_001077183.3, NM_001114382.3, NM_001363528.2 and 3 more transcripts); c.1653G>C, p.Glu551Asp (NM_001318827.2); c.1617G>C, p.Glu539Asp (NM_001318829.2); c.1164G>C, p.Glu388Asp (NM_001318831.2); c.1797G>C, p.Glu599Asp (NM_001318832.2); short protein forms E539D, E551D, E588D, E599D, E388D.
Identifiers: ClinVar variation 954201 (VCV000954201.11), dbSNP rs2088130143, ClinGen allele CA394272867.